The following is an entry in ClinVar:

ClinVar aggregate classification (germline): Uncertain significance (1 of 4 stars; one submission).

gnomAD v4.1: 1 of 1,614,218 alleles (0.000062%); highest among the groups gnomAD compares: Non-Finnish European, 0.000085%; no homozygotes.

Submission:

Labcorp Genetics (formerly Invitae), Labcorp
Classification: Uncertain significance. Last evaluated: 2025-06-03. Review status: criteria provided, single submitter. Criteria: Invitae Variant Classification Sherloc (09022015). Collection method: clinical testing. Allele origin: germline.
Comment: This sequence change replaces leucine, which is neutral and non-polar, with valine, which is neutral and non-polar, at codon 258 of the MYLK3 protein (p.Leu258Val). This variant is not present in population databases (gnomAD no frequency). This variant has not been reported in the literature in individuals affected with MYLK3-related conditions. An algorithm developed to predict the effect of missense changes on protein structure and function (PolyPhen-2) suggests that this variant is likely to be tolerated. In summary, the available evidence is currently insufficient to determine the role of this variant in disease. Therefore, it has been classified as a Variant of Uncertain Significance.

NM_182493.3(MYLK3):c.772C>G (p.Leu258Val)

Gene: MYLK3 (myosin light chain kinase 3; minus strand). Cytogenetic location: 16q11.2.
Variant type: single nucleotide variant.
Coding change: c.772C>G on transcript NM_182493.3 (MANE Select); coding-DNA position 772, C replaced by G.
Protein change: p.Leu258Val; replaces leucine 258 with valine.
Molecular consequence: missense variant. On other transcripts: intron variant (1).
Genome position (GRCh38, 1-based): chr16:46,737,940, G>C on the plus strand (C>G on the coding strand, the complement: MYLK3 is on the minus strand). VCF-style: chr16-46737940-G-C. GRCh37 (hg19) VCF-style: chr16-46771852-G-C.
Other names: c.-23+2117C>G (NM_001308301.1); short protein forms L258V.
Identifiers: ClinVar variation 4797314 (VCV004797314.1).